The following is an entry in ClinVar:

NM_000264.5(PTCH1):c.4041C>G (p.His1347Gln)

Gene: PTCH1 (patched 1; minus strand). Cytogenetic location: 9q22.32.
Variant type: single nucleotide variant.
Coding change: c.4041C>G on transcript NM_000264.5 (MANE Select); coding-DNA position 4041, C replaced by G.
Protein change: p.His1347Gln; replaces histidine 1347 with glutamine.
Molecular consequence: missense variant. On other transcripts: non-coding transcript variant (1).
Genome position (GRCh38, 1-based): chr9:95,447,215, G>C on the plus strand (C>G on the coding strand, the complement: PTCH1 is on the minus strand). VCF-style: chr9-95447215-G-C. GRCh37 (hg19) VCF-style: chr9-98209497-G-C.
Other names: c.3843C>G, p.His1281Gln (NM_001083602.3); c.4038C>G, p.His1346Gln (NM_001083603.3); c.3588C>G, p.His1196Gln (NM_001083604.3, NM_001083605.3, NM_001083606.3 and 1 more transcripts); c.3885C>G, p.His1295Gln (NM_001354918.2); short protein forms H1346Q, H1295Q, H1347Q, H1196Q, H1281Q.
Identifiers: ClinVar variation 3427214 (VCV003427214.1).

ClinVar aggregate classification (germline): Uncertain significance (1 of 4 stars; one submission).

Conditions:
Hereditary cancer-predisposing syndrome. Also called: Neoplastic Syndromes, Hereditary; Tumor predisposition; Hereditary Cancer Syndrome; Hereditary neoplastic syndrome. Identifiers: Orphanet 140162, MedGen C0027672, MeSH D009386, MONDO:0015356.

Submission:

Ambry Genetics
Classification: Uncertain significance for Hereditary cancer-predisposing syndrome. Last evaluated: 2024-07-17. Review status: criteria provided, single submitter. Criteria: Ambry Variant Classification Scheme 2023. Collection method: clinical testing. Allele origin: germline.
Comment: The p.H1347Q variant (also known as c.4041C>G), located in coding exon 23 of the PTCH1 gene, results from a C to G substitution at nucleotide position 4041. The histidine at codon 1347 is replaced by glutamine, an amino acid with highly similar properties. This amino acid position is conserved. In addition, this alteration is predicted to be tolerated by in silico analysis. Based on the available evidence, the clinical significance of this variant remains unclear.